The following is an entry in ClinVar:

ClinVar aggregate classification (germline): Uncertain significance (1 of 4 stars; one submission).

Submission:

Labcorp Genetics (formerly Invitae), Labcorp
Classification: Uncertain significance. Last evaluated: 2023-08-31. Review status: criteria provided, single submitter. Criteria: Invitae Variant Classification Sherloc (09022015). Collection method: clinical testing. Allele origin: germline.
Comment: In summary, the available evidence is currently insufficient to determine the role of this variant in disease. Therefore, it has been classified as a Variant of Uncertain Significance. This variant has not been reported in the literature in individuals affected with COL9A2-related conditions. This variant is not present in population databases (gnomAD no frequency). This variant, c.721_726dup, results in the insertion of 2 amino acid(s) of the COL9A2 protein (p.Gly241_Pro242dup), but otherwise preserves the integrity of the reading frame.

NM_001852.4(COL9A2):c.721_726dup (p.Pro242_Lys243insGlyPro)

Gene: COL9A2 (collagen type IX alpha 2 chain; minus strand). Cytogenetic location: 1p34.2.
Variant type: Duplication.
Coding change: c.721_726dup on transcript NM_001852.4 (MANE Select); coding-DNA positions 721 to 726, 6 bases duplicated (GGGCCC; older notation c.721_726dupGGGCCC).
Protein change: p.Pro242_Lys243insGlyPro.
Molecular consequence: inframe insertion.
Genome position (GRCh38, 1-based): chr1:40,310,276-40,310,281, GGGCCC duplicated on the plus strand (GGGCCC on the coding strand, the reverse complement: COL9A2 is on the minus strand). VCF-style (leftmost placement, unchanged base first): chr1-40310275-T-TGGGCCC. GRCh37 (hg19) VCF-style: chr1-40775947-T-TGGGCCC.
Identifiers: ClinVar variation 2757046 (VCV002757046.3), dbSNP rs2522541477, ClinGen allele CA2697552336.
Genomic context (GRCh38, chr1:40,310,275, plus strand): 5'-AGAAGGCAGCTCCTGGAAGCTCTTGTAGAACACCCCAAGATTCACTTACCGTCTCTCCCT[T>TGGGCCC]GGGCCCTGCCATGCCTGGGTAGCCCCTGATGCCCTGGGGACCCTGTTGAGAAAGAAAAAT-3'